The following is an entry in ClinVar:

ClinVar aggregate classification (germline): Uncertain significance (1 of 4 stars; one submission).

Conditions:
Hereditary nonpolyposis colorectal neoplasms. Identifiers: MedGen C0009405, MeSH D003123.

Submission:

Labcorp Genetics (formerly Invitae), Labcorp
Classification: Uncertain significance for Hereditary nonpolyposis colorectal neoplasms. Last evaluated: 2022-05-24. Review status: criteria provided, single submitter. Criteria: Invitae Variant Classification Sherloc (09022015). Collection method: clinical testing. Allele origin: germline.
Comment: This variant results in a copy number gain of the genomic region encompassing exon(s) 9-15 of the PMS2 gene. This region includes the termination codon of the gene. This copy number gain extends beyond the assayed region for this gene and therefore may encompass additional genes. As the precise location of this event is unknown, it may be in tandem or it may be located elsewhere in the genome. The frequency data for this variant in the population databases (gnomAD) is considered unreliable due to the presence of homologous sequence, such as pseudogenes or paralogs, in the genome. This variant has not been reported in the literature in individuals affected with PMS2-related conditions. Experimental studies and prediction algorithms are not available or were not evaluated, and the functional significance of this variant is currently unknown. In summary, the available evidence is currently insufficient to determine the role of this variant in disease. Therefore, it has been classified as a Variant of Uncertain Significance.

NC_000007.13:g.(?_6013030)_(6022642_?)dup

Gene: PMS2 (PMS1 homolog 2, mismatch repair system component; minus strand). Cytogenetic location: 7p22.1.
Variant type: Duplication.
Identifiers: ClinVar variation 2423260 (VCV002423260.3).